The following is an entry in ClinVar:

ClinVar aggregate classification (germline): Pathogenic. Review status: criteria provided, multiple submitters, no conflicts (2 of 4 stars). 5 submissions from 5 submitters: Pathogenic (5). Last evaluated 2025-04-23.

Conditions:
Wilson disease (WND). Also called: Wilson's disease. Identifiers: Orphanet 905, MedGen C0019202, MONDO:0010200, OMIM 277900. Disease mechanism: loss of function.
Inborn genetic diseases. Identifiers: MedGen C0950123, MeSH D030342.

Allele frequency attached by ClinVar (database versions not stated): gnomAD exomes below 0.00001.
gnomAD v4.1: 1 of 1,614,162 alleles (0.000062%); highest among the groups gnomAD compares: Non-Finnish European, 0.000085%; no homozygotes.

Submissions (5):

Ambry Genetics
Classification: Pathogenic for Inborn genetic diseases. Last evaluated: 2025-04-23. Review status: criteria provided, single submitter. Criteria: Ambry Variant Classification Scheme 2023. Collection method: clinical testing. Allele origin: germline.
Comment: The c.1369C>T (p.Q457*) alteration, located in exon 3 (coding exon 3) of the ATP7B gene, consists of a C to T substitution at nucleotide position 1369. This changes the amino acid from a glutamine (Q) to a stop codon at amino acid position 457. This alteration is expected to result in loss of function by premature protein truncation or nonsense-mediated mRNA decay. This variant was not reported in population-based cohorts in the Genome Aggregation Database (gnomAD). This variant has been identified in the homozygous state and/or in conjunction with other ATP7B variant(s) in individual(s) with features consistent with Wilson disease (Bost, 2012; Coffey, 2013). Based on the available evidence, this alteration is classified as pathogenic.

Myriad Genetics, Inc.
Classification: Pathogenic for Wilson disease. Last evaluated: 2025-02-18. Review status: criteria provided, single submitter. Criteria: Myriad Autosomal Dominant, Autosomal Recessive and X-Linked Classification Criteria (2023). Collection method: clinical testing. Allele origin: unknown.
Comment: NM_000053.3(ATP7B):c.1369C>T(Q457*) is a nonsense variant classified as pathogenic in the context of Wilson disease. Q457* has been observed in a case with relevant disease (PMID: 10502777). Relevant functional assessments of this variant are not available in the literature. Q457* has not been observed in referenced population frequency databases. In summary, NM_000053.3(ATP7B):c.1369C>T(Q457*) is a nonsense variant in a gene where loss of function is a known mechanism of disease, is predicted to disrupt protein function, and has been observed more frequently in cases with the relevant disease than in healthy populations. Please note: this variant was assessed in the context of healthy population screening.

Labcorp Genetics (formerly Invitae), Labcorp
Classification: Pathogenic for Wilson disease. Last evaluated: 2024-08-27. Review status: criteria provided, single submitter. Criteria: Invitae Variant Classification Sherloc (09022015). Collection method: clinical testing. Allele origin: germline.
Comment: This sequence change creates a premature translational stop signal (p.Gln457*) in the ATP7B gene. It is expected to result in an absent or disrupted protein product. Loss-of-function variants in ATP7B are known to be pathogenic (PMID: 10441329, 16283883). This variant is not present in population databases (gnomAD no frequency). This premature translational stop signal has been observed in individual(s) with Wilson disease (PMID: 10502777, 23333878). ClinVar contains an entry for this variant (Variation ID: 1162223). For these reasons, this variant has been classified as Pathogenic.

Genome-Nilou Lab
Classification: Pathogenic for Wilson disease. Last evaluated: 2021-08-10. Review status: criteria provided, single submitter. Criteria: ACMG Guidelines, 2015. Collection method: clinical testing. Allele origin: germline. Affected: no.

Inborn Errors of Metabolism Laboratory, Hospices Civils de Lyon
Classification: Pathogenic for Wilson disease. Last evaluated: 2021-06-01. Review status: criteria provided, single submitter. Criteria: ACMG Guidelines, 2015. Collection method: clinical testing. Allele origin: germline. Affected: yes. Observed: 1 variant allele.

Literature cited by the submitters: PubMed 10502777 (cited by 4 submitters); PubMed 22677543 (cited by Ambry Genetics); PubMed 23333878 (cited by Ambry Genetics and Labcorp Genetics (formerly Invitae), Labcorp); PubMed 23518715 (cited by Ambry Genetics); PubMed 10441329 (cited by Labcorp Genetics (formerly Invitae), Labcorp); PubMed 16283883 (cited by Labcorp Genetics (formerly Invitae), Labcorp).

NM_000053.4(ATP7B):c.1369C>T (p.Gln457Ter)

Gene: ATP7B (ATPase copper transporting beta; minus strand). Cytogenetic location: 13q14.3.
Variant type: single nucleotide variant.
Coding change: c.1369C>T on transcript NM_000053.4 (MANE Select); coding-DNA position 1369, C replaced by T.
Protein change: p.Gln457Ter; replaces glutamine 457 with a stop codon.
Molecular consequence: nonsense.
Genome position (GRCh38, 1-based): chr13:51,970,666, G>A on the plus strand (C>T on the coding strand, the complement: ATP7B is on the minus strand). VCF-style: chr13-51970666-G-A. GRCh37 (hg19) VCF-style: chr13-52544802-G-A.
Other names: c.1369C>T, p.Gln457Ter (NM_001330579.2, NM_001005918.3, NM_001330578.2); c.1036C>T, p.Gln346Ter (NM_001243182.2); short protein forms Q346*, Q457*.
Identifiers: ClinVar variation 1162223 (VCV001162223.13), dbSNP rs1951795080, ClinGen allele CA388035894.